The following is an entry in ClinVar:

NM_014319.5(LEMD3):c.1695+8A>G

Gene: LEMD3 (LEM domain containing 3; plus strand). Cytogenetic location: 12q14.3.
Variant type: single nucleotide variant.
Coding change: c.1695+8A>G on transcript NM_014319.5 (MANE Select); 8 bases into the intron after coding-DNA position 1695, A replaced by G.
Molecular consequence: intron variant.
Genome position (GRCh38, 1-based): chr12:65,218,627, A>G. VCF-style: chr12-65218627-A-G. GRCh37 (hg19) VCF-style: chr12-65612407-A-G.
Other names: c.1692+8A>G (NM_001167614.2).
Identifiers: ClinVar variation 310237 (VCV000310237.15), dbSNP rs6581621, ClinGen allele CA6671000.

ClinVar aggregate classification (germline): Benign. Review status: criteria provided, multiple submitters, no conflicts (2 of 4 stars). 4 submissions from 4 submitters: Benign (4). Last evaluated 2026-02-04.

Conditions:
Dermatofibrosis lenticularis disseminata (BOS). Also called: DERMATOFIBROSIS LENTICULARIS DISSEMINATA WITH OSTEOPOIKILOSIS; DERMATOOSTEOPOIKILOSIS; OSTEOPATHIA CONDENSANS DISSEMINATA. Identifiers: Orphanet 1306, MedGen C0265514, MONDO:0008157, OMIM 166700.

Allele frequency attached by ClinVar (database versions not stated): gnomAD exomes 0.00351 and 0.00933; ExAC 0.01338; gnomAD 0.03796 and 0.04099; 1000 Genomes Project 0.03854; 1000 Genomes Project 30x 0.04107; TOPMed 0.04191; ESP Exome Variant Server 0.04263.
gnomAD v4.1: 10,870 of 1,565,210 alleles (0.69%); highest among the groups gnomAD compares: African/African-American, 13%; 681 homozygotes.

Submissions (4):

Labcorp Genetics (formerly Invitae), Labcorp
Classification: Benign. Last evaluated: 2026-02-04. Review status: criteria provided, single submitter. Criteria: Invitae Variant Classification Sherloc (09022015). Collection method: clinical testing. Allele origin: germline.

GeneDx
Classification: Benign. Last evaluated: 2021-06-20. Review status: criteria provided, single submitter. Criteria: GeneDx Variant Classification Process June 2021. Collection method: clinical testing. Allele origin: germline. Affected: yes.

Illumina Laboratory Services, Illumina
Classification: Benign for Dermatofibrosis lenticularis disseminata. Last evaluated: 2018-01-13. Review status: criteria provided, single submitter. Criteria: ICSL Variant Classification Criteria 13 December 2019. Collection method: clinical testing. Allele origin: germline.
Comment: This variant was observed in the ICSL laboratory as part of a predisposition screen in an ostensibly healthy population. It had not been previously curated by ICSL or reported in the Human Gene Mutation Database (HGMD: prior to June 1st, 2018), and was therefore a candidate for classification through an automated scoring system. Utilizing variant allele frequency, disease prevalence and penetrance estimates, and inheritance mode, an automated score was calculated to assess if this variant is too frequent to cause the disease. Based on the score and internal cut-off values, a variant classified as benign is not then subjected to further curation. The score for this variant resulted in a classification of benign for this disease.

Breakthrough Genomics
Classification: Benign. Review status: criteria provided, single submitter. Criteria: ACMG Guidelines, 2015. Collection method: not provided. Allele origin: germline. Inheritance: Autosomal dominant inheritance. Affected: yes.